The following is an entry in ClinVar:

NM_016580.4(PCDH12):c.70T>C (p.Cys24Arg)

Genes: PCDH12 (protocadherin 12; minus strand), RNF14 (ring finger protein 14; plus strand). Cytogenetic location: 5q31.3.
Variant type: single nucleotide variant.
Coding change: c.70T>C on transcript NM_016580.4 (MANE Select); coding-DNA position 70, T replaced by C.
Protein change: p.Cys24Arg; replaces cysteine 24 with arginine.
Molecular consequence: missense variant.
Genome position (GRCh38, 1-based): chr5:141,957,782, A>G on the plus strand (T>C on the coding strand, the complement: PCDH12 is on the minus strand). VCF-style: chr5-141957782-A-G. GRCh37 (hg19) VCF-style: chr5-141337347-A-G.
Other names: c.70T>C (NM_016580.2); short protein forms C24R.
Identifiers: ClinVar variation 1367554 (VCV001367554.5), dbSNP rs1285751421, ClinGen allele CA361592571.

ClinVar aggregate classification (germline): Uncertain significance. Review status: criteria provided, multiple submitters, no conflicts (2 of 4 stars). 2 submissions from 2 submitters: Uncertain significance (2). Last evaluated 2024-12-07.

Conditions:
Inborn genetic diseases. Identifiers: MedGen C0950123, MeSH D030342.

Allele frequency attached by ClinVar (database versions not stated): gnomAD exomes 0.00001; TOPMed 0.00001.
gnomAD v4.1: 3 of 1,608,114 alleles (0.00019%); highest among the groups gnomAD compares: Admixed American, 0.005%; no homozygotes.

Submissions (2):

Ambry Genetics
Classification: Uncertain significance for Inborn genetic diseases. Last evaluated: 2024-12-07. Review status: criteria provided, single submitter. Criteria: Ambry Variant Classification Scheme 2023. Collection method: clinical testing. Allele origin: germline.

Labcorp Genetics (formerly Invitae), Labcorp
Classification: Uncertain significance. Last evaluated: 2022-08-23. Review status: criteria provided, single submitter. Criteria: Invitae Variant Classification Sherloc (09022015). Collection method: clinical testing. Allele origin: germline.
Comment: In summary, the available evidence is currently insufficient to determine the role of this variant in disease. Therefore, it has been classified as a Variant of Uncertain Significance. Advanced modeling of protein sequence and biophysical properties (such as structural, functional, and spatial information, amino acid conservation, physicochemical variation, residue mobility, and thermodynamic stability) performed at Invitae indicates that this missense variant is not expected to disrupt PCDH12 protein function. ClinVar contains an entry for this variant (Variation ID: 1367554). This variant has not been reported in the literature in individuals affected with PCDH12-related conditions. This variant is present in population databases (no rsID available, gnomAD 0.006%). This sequence change replaces cysteine, which is neutral and slightly polar, with arginine, which is basic and polar, at codon 24 of the PCDH12 protein (p.Cys24Arg).